The following is an entry in ClinVar:

ClinVar aggregate classification (germline): Pathogenic. Review status: reviewed by expert panel (3 of 4 stars). 4 submissions from 4 submitters: Pathogenic (1). 3 of the submissions do not count toward it. Last evaluated 2016-09-08.

Conditions:
Hereditary breast ovarian cancer syndrome. Also called: Hereditary breast and ovarian cancer; Hereditary breast and/or ovarian cancer syndrome; BRCA1- and BRCA2-Associated Hereditary Breast and Ovarian Cancer; Hereditary breast and ovarian cancer syndrome; Hereditary breast and ovarian cancer syndrome (HBOC); Breast and ovarian cancer. Identifiers: Orphanet 145, MedGen C0677776, MeSH D061325, MONDO:0003582. Disease mechanism: loss of function.
Breast-ovarian cancer, familial, susceptibility to, 2 (BROVCA2). Also called: BRCA2 Hereditary Breast and Ovarian Cancer. Identifiers: Orphanet 145, MedGen C2675520, MONDO:0012933, OMIM 612555. Disease mechanism: loss of function.

Submissions (4):

Evidence-based Network for the Interpretation of Germline Mutant Alleles (ENIGMA)
Classification: Pathogenic for Breast-ovarian cancer, familial, susceptibility to, 2. Last evaluated: 2016-09-08. Review status: reviewed by expert panel. Criteria: ENIGMA BRCA1/2 Classification Criteria (2015). Collection method: curation. Allele origin: germline.
Comment: Variant allele predicted to encode a truncated non-functional protein.

Labcorp Genetics (formerly Invitae), Labcorp
Classification: Pathogenic for Hereditary breast ovarian cancer syndrome. Last evaluated: 2021-04-11. Review status: criteria provided, single submitter. Criteria: Invitae Variant Classification Sherloc (09022015). Collection method: clinical testing. Allele origin: germline. Not counted in ClinVar's aggregate classification.
Comment: For these reasons, this variant has been classified as Pathogenic. This variant has been observed in individual(s) with breast cancer (PMID: 11102977). This variant is also known as 6886del5 and c.6886_6890delGAAAA. ClinVar contains an entry for this variant (Variation ID: 126114). This variant is not present in population databases (ExAC no frequency). This sequence change creates a premature translational stop signal (p.Glu2220Leufs*3) in the BRCA2 gene. It is expected to result in an absent or disrupted protein product. Loss-of-function variants in BRCA2 are known to be pathogenic (PMID: 20104584).

Consortium of Investigators of Modifiers of BRCA1/2 (CIMBA), c/o University of Cambridge
Classification: Pathogenic for Breast-ovarian cancer, familial, susceptibility to, 2. Last evaluated: 2015-10-02. Review status: criteria provided, single submitter. Criteria: CIMBA Mutation Classification guidelines May 2016. Collection method: clinical testing. Allele origin: germline. Not counted in ClinVar's aggregate classification.

Breast Cancer Information Core (BIC) (BRCA2)
Classification: Pathogenic for Breast-ovarian cancer, familial 2. Review status: no assertion criteria provided. Collection method: clinical testing. Allele origin: germline. Affected: yes. Observed: 1 variant allele. Not counted in ClinVar's aggregate classification.

Literature cited by the submitters: PubMed 11102977 (cited by Labcorp Genetics (formerly Invitae), Labcorp); PubMed 20104584 (cited by Labcorp Genetics (formerly Invitae), Labcorp).

NM_000059.4(BRCA2):c.6658_6662del (p.Glu2220fs)

Gene: BRCA2 (BRCA2 DNA repair associated; plus strand). Cytogenetic location: 13q13.1.
Variant type: Deletion.
Coding change: c.6658_6662del on transcript NM_000059.4 (MANE Select); coding-DNA positions 6658 to 6662, 5 bases deleted (GAAAA; older notation c.6658_6662delGAAAA).
Protein change: p.Glu2220fs; shifts the reading frame from glutamic acid 2220.
Molecular consequence: frameshift variant.
Genome position (GRCh38, 1-based): chr13:32,341,013-32,341,017, GAAAA deleted; deleting any 5 consecutive bases within chr13:32,341,012-32,341,017 gives the same sequence; the c. name uses the placement nearest the transcript's 3' end. VCF-style (leftmost placement, unchanged base first): chr13-32341011-CAGAAA-C. GRCh37 (hg19) VCF-style: chr13-32915148-CAGAAA-C.
Other names: 6886del5; c.6658_6662delGAAAA (NM_000059.3).
Identifiers: ClinVar variation 126114 (VCV000126114.14), dbSNP rs80359618, ClinGen allele CA024267.
Genomic context (GRCh38, chr13:32,341,011, plus strand): 5'-CTTTTTCTGATGTTCCTGTGAAAACAAATATAGAAGTTTGTTCTACTTACTCCAAAGATT[CAGAAA>C]ACTACTTTGAAACAGAAGCAGTAGAAATTGCTAAAGCTTTTATGGAAGATGATGAACTGA-3'